The following is an entry in ClinVar:

NC_000019.9:g.(?_30193609)_(30205846_?)dup

Gene: C19orf12 (chromosome 19 open reading frame 12; minus strand). Cytogenetic location: 19q12.
Variant type: Duplication.
Identifiers: ClinVar variation 1014734 (VCV001014734.6).

ClinVar aggregate classification (germline): Uncertain significance (1 of 4 stars; one submission).

Conditions:
Hereditary spastic paraplegia 43. Also called: Spastic paraplegia 43, autosomal recessive. Identifiers: Orphanet 320370, MedGen C2680446, MONDO:0014024, OMIM 615043.

Submission:

Labcorp Genetics (formerly Invitae), Labcorp
Classification: Uncertain significance for Hereditary spastic paraplegia 43. Last evaluated: 2023-08-17. Review status: criteria provided, single submitter. Criteria: Invitae Variant Classification Sherloc (09022015). Collection method: clinical testing. Allele origin: germline.
Comment: A copy number gain of the genomic region encompassing the full coding sequence of the C19orf12 gene has been identified. The boundaries of this event are unknown as they extend beyond the assayed region for this gene and therefore may encompass additional genes. As the precise location of this event is unknown, it may be in tandem or it may be located elsewhere in the genome. This variant has not been reported in the literature in individuals affected with C19orf12-related conditions. In summary, the available evidence is currently insufficient to determine the role of this variant in disease. Therefore, it has been classified as a Variant of Uncertain Significance.